The following is an entry in ClinVar:

ClinVar aggregate classification (germline): Uncertain significance (1 of 4 stars; one submission).

Conditions:
Hypercoagulability syndrome due to glycosylphosphatidylinositol deficiency (GPIBD1). Also called: GLYCOSYLPHOSPHATIDYLINOSITOL BIOSYNTHESIS DEFECT 1. Identifiers: Orphanet 83639, MedGen C5201145, MONDO:0012465, OMIM 610293.

Allele frequency attached by ClinVar (database versions not stated): TOPMed 0.00001.

Submission:

Labcorp Genetics (formerly Invitae), Labcorp
Classification: Uncertain significance for Hypercoagulability syndrome due to glycosylphosphatidylinositol deficiency. Last evaluated: 2022-09-01. Review status: criteria provided, single submitter. Criteria: Invitae Variant Classification Sherloc (09022015). Collection method: clinical testing. Allele origin: germline.
Comment: In summary, the available evidence is currently insufficient to determine the role of this variant in disease. Therefore, it has been classified as a Variant of Uncertain Significance. Algorithms developed to predict the effect of missense changes on protein structure and function are either unavailable or do not agree on the potential impact of this missense change (SIFT: "Tolerated"; PolyPhen-2: "Probably Damaging"; Align-GVGD: "Class C0"). This variant has not been reported in the literature in individuals affected with PIGM-related conditions. This variant is not present in population databases (gnomAD no frequency). This sequence change replaces phenylalanine, which is neutral and non-polar, with valine, which is neutral and non-polar, at codon 365 of the PIGM protein (p.Phe365Val).

NM_145167.3(PIGM):c.1093T>G (p.Phe365Val)

Gene: PIGM (phosphatidylinositol glycan anchor biosynthesis class M; minus strand). Cytogenetic location: 1q23.2.
Variant type: single nucleotide variant.
Coding change: c.1093T>G on transcript NM_145167.3 (MANE Select); coding-DNA position 1093, T replaced by G.
Protein change: p.Phe365Val; replaces phenylalanine 365 with valine.
Molecular consequence: missense variant.
Genome position (GRCh38, 1-based): chr1:160,030,647, A>C on the plus strand (T>G on the coding strand, the complement: PIGM is on the minus strand). VCF-style: chr1-160030647-A-C. GRCh37 (hg19) VCF-style: chr1-160000437-A-C.
Other names: short protein forms F365V.
Identifiers: ClinVar variation 1916848 (VCV001916848.5), dbSNP rs1648299492, ClinGen allele CA343236688.